The following is an entry in ClinVar:

ClinVar aggregate classification (germline): Pathogenic. Review status: criteria provided, multiple submitters, no conflicts (2 of 4 stars). 2 submissions from 2 submitters: Pathogenic (2). Last evaluated 2025-07-11.

Conditions:
Inborn genetic diseases. Identifiers: MedGen C0950123, MeSH D030342.

Submissions (2):

Ambry Genetics
Classification: Pathogenic for Inborn genetic diseases. Last evaluated: 2025-07-11. Review status: criteria provided, single submitter. Criteria: Ambry Variant Classification Scheme 2023. Collection method: clinical testing. Allele origin: germline.
Comment: The c.1254delA pathogenic mutation, located in coding exon 4 of the MBD4 gene, results from a deletion of one nucleotide at nucleotide position 1254, causing a translational frameshift with a predicted alternate stop codon (p.E419Kfs*66). This variant is considered to be rare based on population cohorts in the Genome Aggregation Database (gnomAD). This alteration is expected to result in loss of function by premature protein truncation or nonsense-mediated mRNA decay. As such, this alteration is interpreted as a disease-causing mutation.

Labcorp Genetics (formerly Invitae), Labcorp
Classification: Pathogenic. Last evaluated: 2025-06-24. Review status: criteria provided, single submitter. Criteria: Invitae Variant Classification Sherloc (09022015). Collection method: clinical testing. Allele origin: germline.
Comment: This sequence change creates a premature translational stop signal (p.Glu425Lysfs*66) in the MBD4 gene. It is expected to result in an absent or disrupted protein product. Loss-of-function variants in MBD4 are known to be pathogenic (PMID: 30049810, 35460607). This variant is not present in population databases (gnomAD no frequency). This variant has not been reported in the literature in individuals affected with MBD4-related conditions. For these reasons, this variant has been classified as Pathogenic.

Literature cited by the submitters: PubMed 30049810 (cited by Labcorp Genetics (formerly Invitae), Labcorp); PubMed 35460607 (cited by Labcorp Genetics (formerly Invitae), Labcorp).

NM_001276270.2(MBD4):c.1254del (p.Glu419fs)

Gene: MBD4 (methyl-CpG binding domain 4, DNA glycosylase; minus strand). Cytogenetic location: 3q21.3.
Variant type: Deletion.
Coding change: c.1254del on transcript NM_001276270.2 (MANE Select); coding-DNA position 1254, one base deleted (A; older notation c.1254delA).
Protein change: p.Glu419fs; shifts the reading frame from glutamic acid 419.
Molecular consequence: frameshift variant.
Genome position (GRCh38, 1-based): chr3:129,434,066, T deleted on the plus strand (A on the coding strand, the reverse complement: MBD4 is on the minus strand); the first of 3 consecutive T bases (chr3:129,434,066-129,434,068); deleting any one gives the same sequence. VCF-style (leftmost placement, unchanged base first): chr3-129434065-CT-C. GRCh37 (hg19) VCF-style: chr3-129152908-CT-C.
Other names: c.1254delA (NM_001276270.2); c.1272del, p.Glu425fs (NM_001276271.2, NM_001276272.2, NM_003925.3); c.318del, p.Glu107fs (NM_001276273.2); short protein forms E107fs, E419fs, E425fs.
Identifiers: ClinVar variation 4104600 (VCV004104600.2).